The following is an entry in ClinVar:

ClinVar aggregate classification (germline): Uncertain significance (1 of 4 stars; one submission).

Conditions:
Hereditary breast ovarian cancer syndrome. Also called: Hereditary breast and/or ovarian cancer syndrome; Hereditary breast and ovarian cancer; Hereditary breast and ovarian cancer syndrome; Breast and ovarian cancer; Hereditary breast and ovarian cancer syndrome (HBOC); BRCA1- and BRCA2-Associated Hereditary Breast and Ovarian Cancer. Identifiers: Orphanet 145, MedGen C0677776, MeSH D061325, MONDO:0003582. Disease mechanism: loss of function.

Allele frequency attached by ClinVar (database versions not stated): gnomAD exomes below 0.00001.
gnomAD v4.1: 1 of 1,614,188 alleles (0.000062%); highest among the groups gnomAD compares: Non-Finnish European, 0.000085%; no homozygotes.

Submission:

Labcorp Genetics (formerly Invitae), Labcorp
Classification: Uncertain significance for Hereditary breast ovarian cancer syndrome. Last evaluated: 2022-12-24. Review status: criteria provided, single submitter. Criteria: Invitae Variant Classification Sherloc (09022015). Collection method: clinical testing. Allele origin: germline.
Comment: This variant is not present in population databases (gnomAD no frequency). In summary, the available evidence is currently insufficient to determine the role of this variant in disease. Therefore, it has been classified as a Variant of Uncertain Significance. Advanced modeling of protein sequence and biophysical properties (such as structural, functional, and spatial information, amino acid conservation, physicochemical variation, residue mobility, and thermodynamic stability) performed at Invitae indicates that this missense variant is not expected to disrupt BRCA2 protein function. This variant has not been reported in the literature in individuals affected with BRCA2-related conditions. This sequence change replaces threonine, which is neutral and polar, with alanine, which is neutral and non-polar, at codon 3288 of the BRCA2 protein (p.Thr3288Ala).

NM_000059.4(BRCA2):c.9862A>G (p.Thr3288Ala)

Gene: BRCA2 (BRCA2 DNA repair associated; plus strand). Cytogenetic location: 13q13.1.
Variant type: single nucleotide variant.
Coding change: c.9862A>G on transcript NM_000059.4 (MANE Select); coding-DNA position 9862, A replaced by G.
Protein change: p.Thr3288Ala; replaces threonine 3288 with alanine.
Molecular consequence: missense variant. On other transcripts: non-coding transcript variant (1).
Genome position (GRCh38, 1-based): chr13:32,398,375, A>G. VCF-style: chr13-32398375-A-G. GRCh37 (hg19) VCF-style: chr13-32972512-A-G.
Other names: c.9766A>G, p.Thr3256Ala (NM_001406719.1); c.9811A>G, p.Thr3271Ala (NM_001406720.1); c.4930A>G, p.Thr1644Ala (NM_001406721.1); c.3445A>G, p.Thr1149Ala (NM_001406722.1); short protein forms T1149A, T1644A, T3271A, T3288A, T3256A.
Identifiers: ClinVar variation 2823899 (VCV002823899.3), dbSNP rs2073051899, ClinGen allele CA387766584.